The following is an entry in ClinVar:

NM_004655.4(AXIN2):c.2432A>T (p.Glu811Val)

Gene: AXIN2 (axin 2; minus strand). Cytogenetic location: 17q24.1.
Variant type: single nucleotide variant.
Coding change: c.2432A>T on transcript NM_004655.4 (MANE Select); coding-DNA position 2432, A replaced by T.
Protein change: p.Glu811Val; replaces glutamic acid 811 with valine.
Molecular consequence: missense variant.
Genome position (GRCh38, 1-based): chr17:65,530,076, T>A on the plus strand (A>T on the coding strand, the complement: AXIN2 is on the minus strand). VCF-style: chr17-65530076-T-A. GRCh37 (hg19) VCF-style: chr17-63526194-T-A.
Other names: c.2237A>T, p.Glu746Val (NM_001363813.1); short protein forms E746V, E811V.
Identifiers: ClinVar variation 4867297 (VCV004867297.1).

ClinVar aggregate classification (germline): Uncertain significance (1 of 4 stars; one submission).

Conditions:
Hereditary cancer-predisposing syndrome. Also called: Neoplastic Syndromes, Hereditary; Tumor predisposition; Hereditary Cancer Syndrome; Hereditary neoplastic syndrome. Identifiers: Orphanet 140162, MedGen C0027672, MeSH D009386, MONDO:0015356.

Submission:

Ambry Genetics
Classification: Uncertain significance for Hereditary cancer-predisposing syndrome. Last evaluated: 2026-04-02. Review status: criteria provided, single submitter. Criteria: Ambry Variant Classification Scheme 2023. Collection method: clinical testing. Allele origin: germline.
Comment: The p.E811V variant (also known as c.2432A>T), located in coding exon 10 of the AXIN2 gene, results from an A to T substitution at nucleotide position 2432. The glutamic acid at codon 811 is replaced by valine, an amino acid with dissimilar properties. This amino acid position is conserved. In addition, this alteration is predicted to be deleterious by in silico analysis. Based on the available evidence, the clinical significance of this variant remains unclear.